The following is an entry in ClinVar:

NM_017617.5(NOTCH1):c.6850A>T (p.Thr2284Ser)

Gene: NOTCH1 (notch receptor 1; minus strand). Cytogenetic location: 9q34.3.
Variant type: single nucleotide variant.
Coding change: c.6850A>T on transcript NM_017617.5 (MANE Select); coding-DNA position 6850, A replaced by T.
Protein change: p.Thr2284Ser; replaces threonine 2284 with serine.
Molecular consequence: missense variant.
Genome position (GRCh38, 1-based): chr9:136,496,889, T>A on the plus strand (A>T on the coding strand, the complement: NOTCH1 is on the minus strand). VCF-style: chr9-136496889-T-A. GRCh37 (hg19) VCF-style: chr9-139391341-T-A.
Other names: short protein forms T2284S.
Identifiers: ClinVar variation 3226987 (VCV003226987.1), dbSNP rs749903750, ClinGen allele CA375630089.

ClinVar aggregate classification (germline): Uncertain significance (1 of 4 stars; one submission).

Conditions:
Familial thoracic aortic aneurysm and aortic dissection (TAAD). Also called: Thoracic aortic aneurysms and dissections. Identifiers: Orphanet 91387, MedGen C4707243, MONDO:0019625.

Submission:

Ambry Genetics
Classification: Uncertain significance for Familial thoracic aortic aneurysm and aortic dissection. Last evaluated: 2024-01-27. Review status: criteria provided, single submitter. Criteria: Ambry Variant Classification Scheme 2023. Collection method: clinical testing. Allele origin: germline.
Comment: The p.T2284S variant (also known as c.6850A>T), located in coding exon 34 of the NOTCH1 gene, results from an A to T substitution at nucleotide position 6850. The threonine at codon 2284 is replaced by serine, an amino acid with similar properties. This amino acid position is conserved. In addition, this alteration is predicted to be tolerated by in silico analysis. Based on the available evidence, the clinical significance of this alteration remains unclear.